The following is an entry in ClinVar:

NM_006269.2(RP1):c.4168_4169insT (p.His1390fs)

Gene: RP1 (RP1 axonemal microtubule associated; plus strand). Cytogenetic location: 8q12.1.
Variant type: Insertion.
Coding change: c.4168_4169insT on transcript NM_006269.2 (MANE Select); coding-DNA positions 4168 to 4169, T inserted.
Protein change: p.His1390fs; shifts the reading frame from histidine 1390.
Molecular consequence: frameshift variant. On other transcripts: intron variant (1).
Genome position: GRCh38 VCF-style: chr8-54628050-C-CT. GRCh37 (hg19) VCF-style: chr8-55540610-C-CT.
Other names: c.787+5762_787+5763insT (NM_001375654.1); short protein forms H1390fs.
Identifiers: ClinVar variation 5007316 (VCV005007316.2).

ClinVar aggregate classification (germline): Likely pathogenic (1 of 4 stars; one submission).

Conditions:
Retinitis pigmentosa 1 (RP1). Identifiers: Orphanet 791, MedGen C0220701, MONDO:0008377, OMIM 180100.

Submission:

Juno Genomics, Hangzhou Juno Genomics, Inc
Classification: Likely pathogenic for Retinitis pigmentosa 1. Review status: criteria provided, single submitter. Criteria: ACMG Guidelines, 2015. Collection method: clinical testing. Allele origin: germline.
Comment: Absent from controls (or at extremely low frequency if recessive) in Genome Aggregation Database.;Null variant in a gene where loss of function (LOF) is a known mechanism of disease.;Patient's phenotype or family history is highly specific for a disease with a single genetic etiology.